The following is an entry in ClinVar:

ClinVar aggregate classification (germline): Pathogenic (1 of 4 stars; one submission).

Conditions:
RAI1-related disorder. Also called: RAI1-related condition.

Allele frequency attached by ClinVar (database versions not stated): gnomAD 0.00001.
gnomAD v4.1: 1 of 1,613,686 alleles (0.000062%); highest among the groups gnomAD compares: African/African-American, 0.0013%; no homozygotes.

Submission:

PreventionGenetics, part of Exact Sciences
Classification: Pathogenic for RAI1-related condition. Last evaluated: 2022-11-09. Review status: criteria provided, single submitter. Criteria: ACMG Guidelines, 2015. Collection method: clinical testing. Allele origin: germline.
Comment: The RAI1 c.640C>T variant is predicted to result in premature protein termination (p.Gln214*). To our knowledge, this variant has not been reported in the literature or in a large population database, indicating this variant is rare. Nonsense variants in RAI1 are expected to be pathogenic, and therefore we interpret c.640C>T (p.Gln214*) as pathogenic.

NM_030665.4(RAI1):c.640C>T (p.Gln214Ter)

Gene: RAI1 (retinoic acid induced 1; plus strand). Cytogenetic location: 17p11.2.
Variant type: single nucleotide variant.
Coding change: c.640C>T on transcript NM_030665.4 (MANE Select); coding-DNA position 640, C replaced by T.
Protein change: p.Gln214Ter; replaces glutamine 214 with a stop codon.
Molecular consequence: nonsense.
Genome position (GRCh38, 1-based): chr17:17,793,588, C>T. VCF-style: chr17-17793588-C-T. GRCh37 (hg19) VCF-style: chr17-17696902-C-T.
Other names: short protein forms Q214*.
Identifiers: ClinVar variation 2635556 (VCV002635556.1), dbSNP rs2032105178, ClinGen allele CA398545905.